The following is an entry in ClinVar:

NM_000260.4(MYO7A):c.3514T>A (p.Tyr1172Asn)

Gene: MYO7A (myosin VIIA; plus strand). Cytogenetic location: 11q13.5.
Variant type: single nucleotide variant.
Coding change: c.3514T>A on transcript NM_000260.4 (MANE Select); coding-DNA position 3514, T replaced by A.
Protein change: p.Tyr1172Asn; replaces tyrosine 1172 with asparagine.
Molecular consequence: missense variant.
Genome position (GRCh38, 1-based): chr11:77,189,354, T>A. VCF-style: chr11-77189354-T-A. GRCh37 (hg19) VCF-style: chr11-76900399-T-A.
Other names: c.3514T>A, p.Tyr1172Asn (NM_001127180.2); c.3481T>A, p.Tyr1161Asn (NM_001369365.1); short protein forms Y1161N, Y1172N.
Identifiers: ClinVar variation 1315321 (VCV001315321.4), dbSNP rs1955862943, ClinGen allele CA381946842.

ClinVar aggregate classification (germline): Uncertain significance. Review status: criteria provided, multiple submitters, no conflicts (2 of 4 stars). 2 submissions from 2 submitters: Uncertain significance (2). Last evaluated 2024-03-25.

Conditions:
Usher syndrome type 1 (USH1). Also called: RETINITIS PIGMENTOSA AND CONGENITAL DEAFNESS. Identifiers: Orphanet 231169, Orphanet 886, MedGen C1568247, MONDO:0010168, OMIM 276900.

Allele frequency attached by ClinVar (database versions not stated): gnomAD 0.00001.
gnomAD v4.1: 1 of 1,613,396 alleles (0.000062%); highest among the groups gnomAD compares: African/African-American, 0.0013%; no homozygotes.

Submissions (2):

Genomic Medicine Center of Excellence, King Faisal Specialist Hospital and Research Centre
Classification: Uncertain significance for Usher syndrome type 1. Last evaluated: 2024-03-25. Review status: criteria provided, single submitter. Criteria: ACMG Guidelines, 2015. Collection method: research. Allele origin: germline.

GeneDx
Classification: Uncertain significance. Last evaluated: 2020-02-04. Review status: criteria provided, single submitter. Criteria: GeneDx Variant Classification Process June 2021. Collection method: clinical testing. Allele origin: germline. Affected: yes.
Comment: Not observed in large population cohorts (Lek et al., 2016); In silico analysis supports that this missense variant has a deleterious effect on protein structure/function; Has not been previously published as pathogenic or benign to our knowledge